The following is an entry in ClinVar:

ClinVar aggregate classification (germline): Uncertain significance. Review status: criteria provided, multiple submitters, no conflicts (2 of 4 stars). 4 submissions from 4 submitters: Uncertain significance (4). Last evaluated 2024-07-31.

Conditions:
Familial adenomatous polyposis 1 (FAP1). Also called: POLYPOSIS, ADENOMATOUS INTESTINAL; FAMILIAL ADENOMATOUS POLYPOSIS 1, ATTENUATED. Identifiers: MedGen C2713442, MONDO:0021056, OMIM 175100. Disease mechanism: loss of function.
Hereditary cancer-predisposing syndrome. Also called: Hereditary neoplastic syndrome; Neoplastic Syndromes, Hereditary; Tumor predisposition; Hereditary Cancer Syndrome. Identifiers: Orphanet 140162, MedGen C0027672, MeSH D009386, MONDO:0015356.

Allele frequency attached by ClinVar (database versions not stated): gnomAD exomes below 0.00001; TOPMed below 0.00001; gnomAD 0.00001.
gnomAD v4.1: 3 of 1,613,954 alleles (0.00019%); highest among the groups gnomAD compares: Non-Finnish European, 0.00017%; no homozygotes.

Submissions (4):

Labcorp Genetics (formerly Invitae), Labcorp
Classification: Uncertain significance for Familial adenomatous polyposis 1. Last evaluated: 2024-07-31. Review status: criteria provided, single submitter. Criteria: Invitae Variant Classification Sherloc (09022015). Collection method: clinical testing. Allele origin: germline.
Comment: This sequence change replaces arginine, which is basic and polar, with glutamine, which is neutral and polar, at codon 640 of the APC protein (p.Arg640Gln). This variant is not present in population databases (gnomAD no frequency). This variant has not been reported in the literature in individuals affected with APC-related conditions. ClinVar contains an entry for this variant (Variation ID: 469721). Advanced modeling of protein sequence and biophysical properties (such as structural, functional, and spatial information, amino acid conservation, physicochemical variation, residue mobility, and thermodynamic stability) performed at Invitae indicates that this missense variant is not expected to disrupt APC protein function with a negative predictive value of 95%. In summary, the available evidence is currently insufficient to determine the role of this variant in disease. Therefore, it has been classified as a Variant of Uncertain Significance.

Baylor Genetics
Classification: Uncertain significance for Familial adenomatous polyposis 1. Last evaluated: 2023-12-28. Review status: criteria provided, single submitter. Criteria: ACMG Guidelines, 2015. Collection method: clinical testing. Allele origin: unknown.

Ambry Genetics
Classification: Uncertain significance for Hereditary cancer-predisposing syndrome. Last evaluated: 2021-09-22. Review status: criteria provided, single submitter. Criteria: Ambry Variant Classification Scheme 2023. Collection method: clinical testing. Allele origin: germline.

Color Diagnostics, LLC DBA Color Health
Classification: Uncertain significance for Hereditary cancer-predisposing syndrome. Last evaluated: 2019-06-18. Review status: criteria provided, single submitter. Criteria: ACMG Guidelines, 2015. Collection method: clinical testing. Allele origin: germline.

NM_000038.6(APC):c.1919G>A (p.Arg640Gln)

Gene: APC (APC regulator of Wnt signaling pathway; plus strand). Cytogenetic location: 5q22.2.
Variant type: single nucleotide variant.
Coding change: c.1919G>A on transcript NM_000038.6 (MANE Select); coding-DNA position 1919, G replaced by A.
Protein change: p.Arg640Gln; replaces arginine 640 with glutamine.
Molecular consequence: missense variant.
Genome position (GRCh38, 1-based): chr5:112,835,126, G>A. VCF-style: chr5-112835126-G-A. GRCh37 (hg19) VCF-style: chr5-112170823-G-A.
Other names: c.1919G>A, p.Arg640Gln (NM_001127510.3, NM_001354895.2); c.1865G>A, p.Arg622Gln (NM_001127511.3); c.1973G>A, p.Arg658Gln (NM_001354896.2); c.1949G>A, p.Arg650Gln (NM_001354897.2); c.1844G>A, p.Arg615Gln (NM_001354898.2); c.1835G>A, p.Arg612Gln (NM_001354899.2); c.1796G>A, p.Arg599Gln (NM_001354900.2); c.1742G>A, p.Arg581Gln (NM_001354901.2); and 5 more; short protein forms R622Q, R640Q, R480Q, R514Q, R539Q, R612Q, R650Q, R581Q.
Identifiers: ClinVar variation 469721 (VCV000469721.15), dbSNP rs1273594465, ClinGen allele CA16025510.